The following is an entry in ClinVar:

ClinVar aggregate classification (germline): Uncertain significance (1 of 4 stars; one submission).

Conditions:
Cardiovascular phenotype. Identifiers: MedGen CN230736.

Allele frequency attached by ClinVar (database versions not stated): gnomAD 0.00001; 1000 Genomes Project 30x 0.00016.
gnomAD v4.1: 2 of 1,543,062 alleles (0.00013%); highest among the groups gnomAD compares: African/African-American, 0.0014%; no homozygotes.

Submission:

Ambry Genetics
Classification: Uncertain significance for Cardiovascular phenotype. Last evaluated: 2022-06-06. Review status: criteria provided, single submitter. Criteria: Ambry Variant Classification Scheme 2023. Collection method: clinical testing. Allele origin: germline.
Comment: The p.R3176S variant (also known as c.9528G>C), located in coding exon 2 of the ZNF469 gene, results from a G to C substitution at nucleotide position 9528. The arginine at codon 3176 is replaced by serine, an amino acid with dissimilar properties. This amino acid position is conserved. In addition, this alteration is predicted to be tolerated by in silico analysis. Since supporting evidence is limited at this time, the clinical significance of this alteration remains unclear.

NM_001367624.2(ZNF469):c.9612G>C (p.Arg3204Ser)

Gene: ZNF469 (zinc finger protein 469; plus strand). Cytogenetic location: 16q24.2.
Variant type: single nucleotide variant.
Coding change: c.9612G>C on transcript NM_001367624.2 (MANE Select); coding-DNA position 9612, G replaced by C.
Protein change: p.Arg3204Ser; replaces arginine 3204 with serine.
Molecular consequence: missense variant.
Genome position (GRCh38, 1-based): chr16:88,437,082, G>C. VCF-style: chr16-88437082-G-C. GRCh37 (hg19) VCF-style: chr16-88503490-G-C.
Other names: NM_001127464.1:c.9528G>C; short protein forms R3204S.
Identifiers: ClinVar variation 1767266 (VCV001767266.2), dbSNP rs1451861889, ClinGen allele CA397124343.